The following is an entry in ClinVar:

NC_000006.11:g.(?_129575033)_(129591846_?)del

Gene: LAMA2 (laminin subunit alpha 2; plus strand). Cytogenetic location: 6q22.33.
Variant type: Deletion.
Identifiers: ClinVar variation 1497338 (VCV001497338.5).

ClinVar aggregate classification (germline): Likely pathogenic (1 of 4 stars; one submission).

Conditions:
LAMA2-related muscular dystrophy (LAMA2-RD). Also called: Laminin alpha 2-related dystrophy. Identifiers: MedGen C5679788, MONDO:0100228.

Submission:

Labcorp Genetics (formerly Invitae), Labcorp
Classification: Likely pathogenic for LAMA2-related muscular dystrophy. Last evaluated: 2021-07-26. Review status: criteria provided, single submitter. Criteria: Invitae Variant Classification Sherloc (09022015). Collection method: clinical testing. Allele origin: germline.
Comment: In summary, the currently available evidence indicates that the variant is pathogenic, but additional data are needed to prove that conclusively. Therefore, this variant has been classified as Likely Pathogenic. This variant has not been reported in the literature in individuals affected with LAMA2-related conditions. This variant results in the deletion of exons 15-16 and part of exon 17 (c.2096+1595_2402del) of the LAMA2 gene. It is expected to disrupt RNA splicing. Variants that disrupt the donor or acceptor splice site typically lead to a loss of protein function (PMID: 16199547), and loss-of-function variants in LAMA2 are known to be pathogenic (PMID: 18700894).

Literature cited by the submitters: PubMed 16199547; PubMed 18700894.